The following is an entry in ClinVar:

ClinVar aggregate classification (germline): Likely benign. Review status: criteria provided, multiple submitters, no conflicts (2 of 4 stars). 3 submissions from 3 submitters: Likely benign (2). 1 of the submissions does not count toward it. Last evaluated 2025-04-13.

Conditions:
Fanconi anemia (FA). Also called: Fanconi's anemia. Identifiers: Orphanet 84, MedGen C0015625, MeSH D005199, MONDO:0019391.
FANCA-related disorder. Also called: FANCA-related condition.
Inborn genetic diseases. Identifiers: MedGen C0950123, MeSH D030342.

Allele frequency attached by ClinVar (database versions not stated): ExAC 0.00001; TOPMed 0.00001.
gnomAD v4.1: 6 of 1,613,622 alleles (0.00037%); highest among the groups gnomAD compares: Non-Finnish European, 0.00051%; no homozygotes.

Submissions (3):

Ambry Genetics
Classification: Likely benign for Inborn genetic diseases. Last evaluated: 2025-04-13. Review status: criteria provided, single submitter. Criteria: Ambry Variant Classification Scheme 2023. Collection method: clinical testing. Allele origin: germline.

Labcorp Genetics (formerly Invitae), Labcorp
Classification: Likely benign for Fanconi anemia. Last evaluated: 2022-03-07. Review status: criteria provided, single submitter. Criteria: Invitae Variant Classification Sherloc (09022015). Collection method: clinical testing. Allele origin: germline.

PreventionGenetics, part of Exact Sciences
Classification: Likely benign for FANCA-related condition. Last evaluated: 2022-06-16. Review status: no assertion criteria provided. Collection method: clinical testing. Allele origin: germline. Not counted in ClinVar's aggregate classification.
Comment: This variant is classified as likely benign based on ACMG/AMP sequence variant interpretation guidelines (Richards et al. 2015 PMID: 25741868, with internal and published modifications).

NM_000135.4(FANCA):c.4350G>A (p.Gln1450=)

Genes: FANCA (FA complementation group A; minus strand), ZNF276 (zinc finger protein 276; plus strand). Cytogenetic location: 16q24.3.
Variant type: single nucleotide variant.
Coding change: c.4350G>A on transcript NM_000135.4 (MANE Select); coding-DNA position 4350, G replaced by A.
Protein change: p.Gln1450=; no amino-acid change (glutamine 1450 retained).
Molecular consequence: synonymous variant. On other transcripts: 3 prime UTR variant (3), non-coding transcript variant (4).
Genome position (GRCh38, 1-based): chr16:89,738,619, C>T on the plus strand (G>A on the coding strand, the complement: FANCA is on the minus strand). VCF-style: chr16-89738619-C-T. GRCh37 (hg19) VCF-style: chr16-89805027-C-T.
Other names: c.*79G>A (NM_001286167.3); c.*373C>T (NM_001113525.2, NM_152287.4).
Identifiers: ClinVar variation 1015858 (VCV001015858.11), dbSNP rs749315540, ClinGen allele CA8250561.